The following is an entry in ClinVar:

ClinVar aggregate classification (germline): Benign (0 of 4 stars; one submission).

Conditions:
EFCAB13-related disorder. Also called: EFCAB13-related condition.

Allele frequency attached by ClinVar (database versions not stated): ESP Exome Variant Server 0.05599; gnomAD exomes 0.06137; gnomAD 0.06261; TOPMed 0.06536; ExAC 0.07396; 1000 Genomes Project 30x 0.08760; 1000 Genomes Project 0.08926.
gnomAD v4.1: 97,813 of 1,586,208 alleles (6.2%); highest among the groups gnomAD compares: East Asian, 17%; 3,745 homozygotes.

Submission:

PreventionGenetics, part of Exact Sciences
Classification: Benign for EFCAB13-related condition. Last evaluated: 2019-11-15. Review status: no assertion criteria provided. Collection method: clinical testing. Allele origin: germline.
Comment: This variant is classified as benign based on ACMG/AMP sequence variant interpretation guidelines (Richards et al. 2015 PMID: 25741868, with internal and published modifications).

NM_152347.5(EFCAB13):c.1622A>T (p.Asp541Val)

Gene: EFCAB13 (EF-hand calcium binding domain 13; plus strand). Cytogenetic location: 17q21.32.
Variant type: single nucleotide variant.
Coding change: c.1622A>T on transcript NM_152347.5 (MANE Select); coding-DNA position 1622, A replaced by T.
Protein change: p.Asp541Val; replaces aspartic acid 541 with valine.
Molecular consequence: missense variant.
Genome position (GRCh38, 1-based): chr17:47,391,476, A>T. VCF-style: chr17-47391476-A-T. GRCh37 (hg19) VCF-style: chr17-45468842-A-T.
Other names: c.1334A>T, p.Asp445Val (NM_001195192.2, NM_001426588.1); c.1622A>T, p.Asp541Val (NM_001426585.1); c.1478A>T, p.Asp493Val (NM_001426586.1, NM_001426587.1); short protein forms D445V, D493V, D541V.
Identifiers: ClinVar variation 3060645 (VCV003060645.2), dbSNP rs72825679, ClinGen allele CA8624007.